The following is an entry in ClinVar:

NM_002907.4(RECQL):c.1005G>T (p.Gln335His)

Gene: RECQL (RecQ like helicase; minus strand). Cytogenetic location: 12p12.1.
Variant type: single nucleotide variant.
Coding change: c.1005G>T on transcript NM_002907.4 (MANE Select); coding-DNA position 1005, G replaced by T.
Protein change: p.Gln335His; replaces glutamine 335 with histidine.
Molecular consequence: missense variant.
Genome position (GRCh38, 1-based): chr12:21,475,769, C>A on the plus strand (G>T on the coding strand, the complement: RECQL is on the minus strand). VCF-style: chr12-21475769-C-A. GRCh37 (hg19) VCF-style: chr12-21628703-C-A.
Other names: c.1005G>T, p.Gln335His (NM_032941.3); short protein forms Q335H.
Identifiers: ClinVar variation 2450959 (VCV002450959.4), dbSNP rs369820039, ClinGen allele CA384121835.

ClinVar aggregate classification (germline): Uncertain significance. Review status: criteria provided, single submitter (1 of 4 stars). 2 submissions from 2 submitters: Uncertain significance (1). 1 of the submissions does not count toward it. Last evaluated 2025-06-08.

Conditions:
RECQL-related disorder. Also called: RECQL-related condition.

Submissions (2):

Ambry Genetics
Classification: Uncertain significance. Last evaluated: 2025-06-08. Review status: criteria provided, single submitter. Criteria: Ambry Variant Classification Scheme 2023. Collection method: clinical testing. Allele origin: germline.
Comment: The p.Q335H variant (also known as c.1005G>T), located in coding exon 8 of the RECQL gene, results from a G to T substitution at nucleotide position 1005. The glutamine at codon 335 is replaced by histidine, an amino acid with highly similar properties. This amino acid position is conserved. In addition, this alteration is predicted to be tolerated by in silico analysis. Since supporting evidence is limited at this time, the clinical significance of this alteration remains unclear.

PreventionGenetics, part of Exact Sciences
Classification: Uncertain significance for RECQL-related condition. Last evaluated: 2024-08-15. Review status: no assertion criteria provided. Collection method: clinical testing. Allele origin: germline. Not counted in ClinVar's aggregate classification.
Comment: The RECQL c.1005G>T variant is predicted to result in the amino acid substitution p.Gln335His. To our knowledge, this variant has not been reported in the literature or in gnomAD, indicating this variant is rare. This variant is classified as a variant of uncertain significance in ClinVar. At this time, the clinical significance of this variant is uncertain due to the absence of conclusive functional and genetic evidence.